The following is an entry in ClinVar:

ClinVar aggregate classification (germline): Uncertain significance. Review status: criteria provided, multiple submitters, no conflicts (2 of 4 stars). 2 submissions from 2 submitters: Uncertain significance (2). Last evaluated 2023-02-02.

Conditions:
Intellectual developmental disorder, autosomal dominant 1. Also called: Intellectual disability, autosomal dominant 1; MBD5 Haploinsufficiency. Identifiers: Orphanet 228402, MedGen C1969562, MONDO:0007974, OMIM 156200.

gnomAD v4.1: 1 of 1,614,140 alleles (0.000062%); highest among the groups gnomAD compares: East Asian, 0.0022%; no homozygotes.

Submissions (2):

GeneDx
Classification: Uncertain significance. Last evaluated: 2023-02-02. Review status: criteria provided, single submitter. Criteria: GeneDx Variant Classification Process June 2021. Collection method: clinical testing. Allele origin: germline. Affected: yes.
Comment: Not observed at significant frequency in large population cohorts (gnomAD); In silico analysis supports that this missense variant does not alter protein structure/function; Has not been previously published as pathogenic or benign to our knowledge

Labcorp Genetics (formerly Invitae), Labcorp
Classification: Uncertain significance for Intellectual developmental disorder, autosomal dominant 1. Last evaluated: 2022-09-25. Review status: criteria provided, single submitter. Criteria: Invitae Variant Classification Sherloc (09022015). Collection method: clinical testing. Allele origin: germline.
Comment: This sequence change replaces serine, which is neutral and polar, with tyrosine, which is neutral and polar, at codon 1328 of the MBD5 protein (p.Ser1328Tyr). This variant is not present in population databases (gnomAD no frequency). This variant has not been reported in the literature in individuals affected with MBD5-related conditions. Algorithms developed to predict the effect of missense changes on protein structure and function are either unavailable or do not agree on the potential impact of this missense change (SIFT: "Deleterious"; PolyPhen-2: "Not Available"; Align-GVGD: "Class C65"). In summary, the available evidence is currently insufficient to determine the role of this variant in disease. Therefore, it has been classified as a Variant of Uncertain Significance.

NM_001378120.1(MBD5):c.4682C>A (p.Ser1561Tyr)

Gene: MBD5 (methyl-CpG binding domain protein 5; plus strand). Cytogenetic location: 2q23.1.
Variant type: single nucleotide variant.
Coding change: c.4682C>A on transcript NM_001378120.1 (MANE Select); coding-DNA position 4682, C replaced by A.
Protein change: p.Ser1561Tyr; replaces serine 1561 with tyrosine.
Molecular consequence: missense variant.
Genome position (GRCh38, 1-based): chr2:148,490,314, C>A. VCF-style: chr2-148490314-C-A. GRCh37 (hg19) VCF-style: chr2-149247883-C-A.
Other names: c.3983C>A (NM_018328.4); c.3983C>A, p.Ser1328Tyr (NM_018328.5); short protein forms S1328Y, S1561Y.
Identifiers: ClinVar variation 1719013 (VCV001719013.7), dbSNP rs1574485666, ClinGen allele CA348730202.
Genomic context (GRCh38, chr2:148,490,314, plus strand): 5'-CAAAGCAAGACCTGGTCCTAGAGGAGCAGTCTCCAAGTTCCTCAAATAGTTTGGAAAATT[C>A]TCTGGTCAAAGACTACATCCATTACAATGGAGACTTTAATGCCAAAAGCGTTAATGGGTG-3'
Protein context (NP_001365049.1, residues 1551-1571): SPSSSNSLEN[Ser1561Tyr]LVKDYIHYNG